The following is an entry in ClinVar:

NM_005744.5(ARIH1):c.1088G>A (p.Arg363His)

Gene: ARIH1 (ariadne RBR E3 ubiquitin protein ligase 1; plus strand). Cytogenetic location: 15q24.1.
Variant type: single nucleotide variant.
Coding change: c.1088G>A on transcript NM_005744.5 (MANE Select); coding-DNA position 1088, G replaced by A.
Protein change: p.Arg363His; replaces arginine 363 with histidine.
Molecular consequence: missense variant.
Genome position (GRCh38, 1-based): chr15:72,570,238, G>A. VCF-style: chr15-72570238-G-A. GRCh37 (hg19) VCF-style: chr15-72862579-G-A.
Other names: short protein forms R363H.
Identifiers: ClinVar variation 4809933 (VCV004809933.1).

ClinVar aggregate classification (germline): Uncertain significance (1 of 4 stars; one submission).

Submission:

Labcorp Genetics (formerly Invitae), Labcorp
Classification: Uncertain significance. Last evaluated: 2025-09-15. Review status: criteria provided, single submitter. Criteria: Invitae Variant Classification Sherloc (09022015). Collection method: clinical testing. Allele origin: germline.
Comment: This sequence change replaces arginine, which is basic and polar, with histidine, which is basic and polar, at codon 363 of the ARIH1 protein (p.Arg363His). This variant is not present in population databases (gnomAD no frequency). This missense change has been observed in individual(s) with ARIH1-related conditions (PMID: 33057194, 35982159). An algorithm developed to predict the effect of missense changes on protein structure and function (PolyPhen-2) suggests that this variant is likely to be disruptive. In summary, the available evidence is currently insufficient to determine the role of this variant in disease. Therefore, it has been classified as a Variant of Uncertain Significance.

Literature cited by the submitters: PubMed 33057194; PubMed 35982159.